The following is an entry in ClinVar:

ClinVar aggregate classification (germline): Likely benign (1 of 4 stars; one submission).

Conditions:
PRPS1-related disorder. Also called: PRPS1-related condition.

Submission:

PreventionGenetics, part of Exact Sciences
Classification: Likely benign for PRPS1-related condition. Last evaluated: 2026-02-27. Review status: criteria provided, single submitter. Criteria: ACMG Guidelines, 2015. Collection method: clinical testing. Allele origin: germline.
Comment: This variant is classified as likely benign based on ACMG/AMP sequence variant interpretation guidelines (Richards et al. 2015 PMID: 25741868, with internal and published modifications).

NM_002764.4(PRPS1):c.642G>T (p.Arg214=)

Gene: PRPS1 (phosphoribosyl pyrophosphate synthetase 1; plus strand). Cytogenetic location: Xq22.3.
Variant type: single nucleotide variant.
Coding change: c.642G>T on transcript NM_002764.4 (MANE Select); coding-DNA position 642, G replaced by T.
Protein change: p.Arg214=; no amino-acid change (arginine 214 retained).
Molecular consequence: synonymous variant.
Genome position (GRCh38, 1-based): chrX:107,645,288, G>T. VCF-style: chrX-107645288-G-T. GRCh37 (hg19) VCF-style: chrX-106888518-G-T.
Other names: c.30G>T, p.Arg10= (NM_001204402.2).
Identifiers: ClinVar variation 4980442 (VCV004980442.1).